The following is an entry in ClinVar:

NM_015346.4(ZFYVE26):c.5768G>A (p.Arg1923Gln)

Gene: ZFYVE26 (zinc finger FYVE-type containing 26; minus strand). Cytogenetic location: 14q24.1.
Variant type: single nucleotide variant.
Coding change: c.5768G>A on transcript NM_015346.4 (MANE Select); coding-DNA position 5768, G replaced by A.
Protein change: p.Arg1923Gln; replaces arginine 1923 with glutamine.
Molecular consequence: missense variant.
Genome position (GRCh38, 1-based): chr14:67,767,726, C>T on the plus strand (G>A on the coding strand, the complement: ZFYVE26 is on the minus strand). VCF-style: chr14-67767726-C-T. GRCh37 (hg19) VCF-style: chr14-68234443-C-T.
Other names: p.Arg1923Gln; short protein forms R1923Q.
Identifiers: ClinVar variation 579343 (VCV000579343.50), dbSNP rs199497582, ClinGen allele CA7239400.
Genomic context (GRCh38, chr14:67,767,726, plus strand): 5'-AAGAAACTTAAGTGACCATTGCATTTTATTGCTATTACCTGCTCATAGTAAAATTCACTC[C>T]GCACCAGCTCATTTTCCTCCTCTTTGAGATCCAAAATCCATTCCACCTCATCTGCTTTGG-3'
Protein context (NP_056161.2, residues 1913-1933): DLKEEENELV[Arg1923Gln]SEFYYEQAPS

ClinVar aggregate classification (germline): Uncertain significance. Review status: criteria provided, multiple submitters, no conflicts (2 of 4 stars). 5 submissions from 5 submitters: Uncertain significance (5). Last evaluated 2025-08-16.

Conditions:
Spastic paraplegia. Identifiers: MedGen C0037772, HP:0001258.
Hereditary spastic paraplegia. Also called: Familial spastic paraparesis. Identifiers: Orphanet 685, MedGen C0037773, MONDO:0019064. Disease mechanism: loss of function.

Allele frequency attached by ClinVar (database versions not stated): TOPMed 0.00005; gnomAD 0.00006 and 0.00007; gnomAD exomes 0.00008; ExAC 0.00011; 1000 Genomes Project 0.00020; 1000 Genomes Project 30x 0.00031.

Submissions (5):

Labcorp Genetics (formerly Invitae), Labcorp
Classification: Uncertain significance for Spastic paraplegia. Last evaluated: 2025-08-16. Review status: criteria provided, single submitter. Criteria: Invitae Variant Classification Sherloc (09022015). Collection method: clinical testing. Allele origin: germline.
Comment: This sequence change replaces arginine, which is basic and polar, with glutamine, which is neutral and polar, at codon 1923 of the ZFYVE26 protein (p.Arg1923Gln). This variant is present in population databases (rs199497582, gnomAD 0.01%). This missense change has been observed in individual(s) with clinical features of hereditary spastic paraplegia (internal data). ClinVar contains an entry for this variant (Variation ID: 579343). An algorithm developed to predict the effect of missense changes on protein structure and function (PolyPhen-2) suggests that this variant is likely to be disruptive. In summary, the available evidence is currently insufficient to determine the role of this variant in disease. Therefore, it has been classified as a Variant of Uncertain Significance.

Blueprint Genetics
Classification: Uncertain significance. Last evaluated: 2024-10-24. Review status: criteria provided, single submitter. Criteria: ACMG Guidelines, 2015. Collection method: clinical testing. Allele origin: germline.

Mayo Clinic Laboratories, Mayo Clinic
Classification: Uncertain significance. Last evaluated: 2024-01-03. Review status: criteria provided, single submitter. Criteria: ACMG Guidelines, 2015. Collection method: clinical testing. Allele origin: germline. Observed: 1 variant allele.
Comment: PM2_moderate

CeGaT Center for Human Genetics Tuebingen
Classification: Uncertain significance. Last evaluated: 2017-08-01. Review status: criteria provided, single submitter. Criteria: CeGaT Center For Human Genetics Tuebingen Variant Classification Criteria Version 2. Collection method: clinical testing. Allele origin: germline. Affected: yes. Observed: 1 variant allele.

Genome Diagnostics Laboratory, The Hospital for Sick Children
Classification: Uncertain significance for Hereditary spastic paraplegia. Last evaluated: 2016-12-12. Review status: criteria provided, single submitter. Criteria: ACMG Guidelines, 2015. Collection method: clinical testing. Allele origin: germline. Affected: yes.